The following is an entry in ClinVar:

NM_006231.4(POLE):c.6804G>A (p.Ser2268=)

Gene: POLE (DNA polymerase epsilon, catalytic subunit; minus strand). Cytogenetic location: 12q24.33.
Variant type: single nucleotide variant.
Coding change: c.6804G>A on transcript NM_006231.4 (MANE Select); coding-DNA position 6804, G replaced by A.
Protein change: p.Ser2268=; no amino-acid change (serine 2268 retained).
Molecular consequence: synonymous variant.
Genome position (GRCh38, 1-based): chr12:132,624,754, C>T on the plus strand (G>A on the coding strand, the complement: POLE is on the minus strand). VCF-style: chr12-132624754-C-T. GRCh37 (hg19) VCF-style: chr12-133201340-C-T.
Identifiers: ClinVar variation 413550 (VCV000413550.19), dbSNP rs544223319, ClinGen allele CA6891958.
Genomic context (GRCh38, chr12:132,624,754, plus strand): 5'-TGGCTAATGGCCCAGCTGTGGGTTCTTCTGCAGCAGCCACTCCAGGGTCTCCAGGAGGTA[C>T]GACATGCCGTAGTGCTGGGCAATGTTCCGGAATATTCCGATCTGTTCCATGAAGACCTGC-3'
Protein context (NP_006222.2, residues 2258-2278): FRNIAQHYGM[Ser2268=]YLLETLEWLL

ClinVar aggregate classification (germline): Likely benign. Review status: criteria provided, multiple submitters, no conflicts (2 of 4 stars). 6 submissions from 6 submitters: Likely benign (6). Last evaluated 2025-12-31.

Conditions:
Intrauterine growth retardation, metaphyseal dysplasia, adrenal hypoplasia congenita, genital anomalies, and immunodeficiency. Also called: IMAGEI SYNDROME. Identifiers: MedGen C5193036, MONDO:0032684, OMIM 618336.
Facial dysmorphism-immunodeficiency-livedo-short stature syndrome. Also called: FILS syndrome; Facial dysmorphism, immunodeficiency, livedo, and short stature. Identifiers: Orphanet 352712, MedGen C3554576, MONDO:0014058, OMIM 615139.
Colorectal cancer, susceptibility to, 12 (CRCS12). Also called: COLORECTAL CANCER, SUSCEPTIBILITY TO, ON CHROMOSOME 12q24. Identifiers: Orphanet 220460, MedGen C3554460, MONDO:0014038, OMIM 615083.
Hereditary cancer-predisposing syndrome. Also called: Neoplastic Syndromes, Hereditary; Tumor predisposition; Hereditary Cancer Syndrome; Hereditary neoplastic syndrome. Identifiers: Orphanet 140162, MedGen C0027672, MeSH D009386, MONDO:0015356.

Allele frequency attached by ClinVar (database versions not stated): gnomAD exomes 0.00001 and 0.00002; gnomAD 0.00003; ExAC 0.00004; TOPMed 0.00004; 1000 Genomes Project 30x 0.00016; 1000 Genomes Project 0.00020.
gnomAD v4.1: 20 of 1,613,734 alleles (0.0012%); highest among the groups gnomAD compares: African/African-American, 0.004%; no homozygotes.

Submissions (6):

Labcorp Genetics (formerly Invitae), Labcorp
Classification: Likely benign. Last evaluated: 2025-12-31. Review status: criteria provided, single submitter. Criteria: Invitae Variant Classification Sherloc (09022015). Collection method: clinical testing. Allele origin: germline.

Blueprint Genetics
Classification: Likely benign. Last evaluated: 2023-09-27. Review status: criteria provided, single submitter. Criteria: ACMG Guidelines, 2015. Collection method: clinical testing. Allele origin: germline.

Department of Pathology and Laboratory Medicine, Sinai Health System
Classification: Likely benign for Colorectal cancer, susceptibility to, 12; Facial dysmorphism-immunodeficiency-livedo-short stature syndrome; Intrauterine growth retardation, metaphyseal dysplasia, adrenal hypoplasia congenita, genital anomalies, and immunodeficiency. Last evaluated: 2023-09-21. Review status: criteria provided, single submitter. Criteria: ACMG Guidelines, 2015. Collection method: clinical testing. Allele origin: germline. Affected: yes.

GeneDx
Classification: Likely benign. Last evaluated: 2018-02-09. Review status: criteria provided, single submitter. Criteria: GeneDx Variant Classification (06012015). Collection method: clinical testing. Allele origin: germline. Affected: yes.
Comment: This variant is considered likely benign or benign based on one or more of the following criteria: it is a conservative change, it occurs at a poorly conserved position in the protein, it is predicted to be benign by multiple in silico algorithms, and/or has population frequency not consistent with disease.

Quest Diagnostics Nichols Institute San Juan Capistrano
Classification: Likely benign. Last evaluated: 2017-02-01. Review status: criteria provided, single submitter. Criteria: Quest Diagnostics criteria. Collection method: clinical testing. Allele origin: germline.

Ambry Genetics
Classification: Likely benign for Hereditary cancer-predisposing syndrome. Last evaluated: 2016-07-02. Review status: criteria provided, single submitter. Criteria: Ambry Variant Classification Scheme 2023. Collection method: clinical testing. Allele origin: germline.